The following is an entry in ClinVar:

NM_007294.4(BRCA1):c.5219T>C (p.Val1740Ala)

Gene: BRCA1 (BRCA1 DNA repair associated; minus strand). Cytogenetic location: 17q21.31.
Variant type: single nucleotide variant.
Coding change: c.5219T>C on transcript NM_007294.4 (MANE Select); coding-DNA position 5219, T replaced by C.
Protein change: p.Val1740Ala; replaces valine 1740 with alanine.
Molecular consequence: missense variant. On other transcripts: non-coding transcript variant (1).
Genome position (GRCh38, 1-based): chr17:43,057,110, A>G on the plus strand (T>C on the coding strand, the complement: BRCA1 is on the minus strand). VCF-style: chr17-43057110-A-G. GRCh37 (hg19) VCF-style: chr17-41209127-A-G.
Other names: c.1580T>C, p.Val527Ala (NM_001408507.1); c.1571T>C, p.Val524Ala (NM_001408508.1); c.1568T>C, p.Val523Ala (NM_001408509.1); c.1529T>C, p.Val510Ala (NM_001408510.1); c.1526T>C, p.Val509Ala (NM_001408511.1); c.1406T>C, p.Val469Ala (NM_001408512.1); c.1379T>C, p.Val460Ala (NM_001408513.1); c.983T>C, p.Val328Ala (NM_001408514.1); and 72 more; short protein forms V1740A, V1693A, V636A, V1761A, V1586A, V1611A, V1651A, V1668A.
Identifiers: ClinVar variation 491102 (VCV000491102.7), dbSNP rs1555576951, ClinGen allele CA10591103.

ClinVar aggregate classification (germline): Uncertain significance (1 of 4 stars; one submission).

Conditions:
Hereditary cancer-predisposing syndrome. Also called: Tumor predisposition; Hereditary Cancer Syndrome; Hereditary neoplastic syndrome; Neoplastic Syndromes, Hereditary. Identifiers: Orphanet 140162, MedGen C0027672, MeSH D009386, MONDO:0015356.

Submissions (2):

Color Diagnostics, LLC DBA Color Health
Classification: Uncertain significance for Hereditary cancer-predisposing syndrome. Last evaluated: 2019-04-12. Review status: criteria provided, single submitter. Criteria: ACMG Guidelines, 2015. Collection method: clinical testing. Allele origin: germline.

Brotman Baty Institute, University of Washington
No classification provided (evidence only). Condition: Breast-ovarian cancer, familial 1. Review status: no classification provided. Collection method: in vitro. Allele origin: not applicable. Functional consequence: functionally_normal. Not counted in ClinVar's aggregate classification.
ClinVar note: "not provided" was previously submitted as the classification for the variant. However, the classification appeared to be based only on an observation of functional data so it was converted to no classification on 2025-07-30.